The following is an entry in ClinVar:

NM_001698.3(AUH):c.998C>T (p.Pro333Leu)

Gene: AUH (AU RNA binding methylglutaconyl-CoA hydratase; minus strand). Cytogenetic location: 9q22.31.
Variant type: single nucleotide variant.
Coding change: c.998C>T on transcript NM_001698.3 (MANE Select); coding-DNA position 998, C replaced by T.
Protein change: p.Pro333Leu; replaces proline 333 with leucine.
Molecular consequence: missense variant.
Genome position (GRCh38, 1-based): chr9:91,214,370, G>A on the plus strand (C>T on the coding strand, the complement: AUH is on the minus strand). VCF-style: chr9-91214370-G-A. GRCh37 (hg19) VCF-style: chr9-93976652-G-A.
Other names: c.911C>T, p.Pro304Leu (NM_001306190.2); c.671C>T, p.Pro224Leu (NM_001351431.2, NM_001351432.2); c.623C>T, p.Pro208Leu (NM_001351433.2); short protein forms P224L, P208L, P333L, P304L.
Identifiers: ClinVar variation 1444069 (VCV001444069.7), dbSNP rs541546111, ClinGen allele CA5119656.

ClinVar aggregate classification (germline): Uncertain significance. Review status: criteria provided, multiple submitters, no conflicts (2 of 4 stars). 2 submissions from 2 submitters: Uncertain significance (2). Last evaluated 2023-10-03.

Conditions:
3-methylglutaconic aciduria type 1 (MGCA1). Identifiers: Orphanet 67046, MedGen C0342727, MONDO:0009610, OMIM 250950.

Allele frequency attached by ClinVar (database versions not stated): gnomAD exomes 0.00005 and 0.00009; 1000 Genomes Project 30x 0.00016; ExAC 0.00009; 1000 Genomes Project 0.00020.
gnomAD v4.1: 66 of 1,610,184 alleles (0.0041%); highest among the groups gnomAD compares: South Asian, 0.072%; no homozygotes.

Submissions (2):

Labcorp Genetics (formerly Invitae), Labcorp
Classification: Uncertain significance for 3-methylglutaconic aciduria type 1. Last evaluated: 2023-10-03. Review status: criteria provided, single submitter. Criteria: Invitae Variant Classification Sherloc (09022015). Collection method: clinical testing. Allele origin: germline.
Comment: This sequence change replaces proline, which is neutral and non-polar, with leucine, which is neutral and non-polar, at codon 333 of the AUH protein (p.Pro333Leu). This variant is present in population databases (rs541546111, gnomAD 0.07%). This variant has not been reported in the literature in individuals affected with AUH-related conditions. ClinVar contains an entry for this variant (Variation ID: 1444069). Advanced modeling of protein sequence and biophysical properties (such as structural, functional, and spatial information, amino acid conservation, physicochemical variation, residue mobility, and thermodynamic stability) performed at Invitae indicates that this missense variant is not expected to disrupt AUH protein function. In summary, the available evidence is currently insufficient to determine the role of this variant in disease. Therefore, it has been classified as a Variant of Uncertain Significance.

Fulgent Genetics
Classification: Uncertain significance for 3-methylglutaconic aciduria type 1. Last evaluated: 2022-04-21. Review status: criteria provided, single submitter. Criteria: ACMG Guidelines, 2015. Collection method: clinical testing. Allele origin: unknown.